The following is an entry in ClinVar:

NM_000268.4(NF2):c.1460T>C (p.Ile487Thr)

Gene: NF2 (NF2, moesin-ezrin-radixin like (MERLIN) tumor suppressor; plus strand). Cytogenetic location: 22q12.2.
Variant type: single nucleotide variant.
Coding change: c.1460T>C on transcript NM_000268.4 (MANE Select); coding-DNA position 1460, T replaced by C.
Protein change: p.Ile487Thr; replaces isoleucine 487 with threonine.
Molecular consequence: missense variant. On other transcripts: non-coding transcript variant (1), intron variant (1).
Genome position (GRCh38, 1-based): chr22:29,678,209, T>C. VCF-style: chr22-29678209-T-C. GRCh37 (hg19) VCF-style: chr22-30074198-T-C.
Other names: c.1460T>C, p.Ile487Thr (NM_016418.5, NM_181825.3, NM_181832.3); c.1334T>C, p.Ile445Thr (NM_181828.3); c.1337T>C, p.Ile446Thr (NM_181829.3); c.1211T>C, p.Ile404Thr (NM_181830.3, NM_181831.3); c.448-16543T>C (NM_181833.3); short protein forms I404T, I445T, I446T, I487T.
Identifiers: ClinVar variation 652338 (VCV000652338.10), dbSNP rs1601658904, ClinGen allele CA411149564.

ClinVar aggregate classification (germline): Uncertain significance. Review status: criteria provided, multiple submitters, no conflicts (2 of 4 stars). 3 submissions from 3 submitters: Uncertain significance (3). Last evaluated 2025-11-27.

Conditions:
Hereditary cancer-predisposing syndrome. Also called: Hereditary Cancer Syndrome; Hereditary neoplastic syndrome; Tumor predisposition; Neoplastic Syndromes, Hereditary. Identifiers: Orphanet 140162, MedGen C0027672, MeSH D009386, MONDO:0015356.
Neurofibromatosis, type 2 (SWNV). Also called: BILATERAL ACOUSTIC NEUROFIBROMATOSIS; NF2-Related Schwannomatosis; SCHWANNOMATOSIS, VESTIBULAR. Identifiers: Orphanet 637, MedGen C0027832, MONDO:0007039, OMIM 101000. Disease mechanism: loss of function.

Allele frequency attached by ClinVar (database versions not stated): gnomAD exomes below 0.00001.

Submissions (3):

Dasa
Classification: Uncertain significance for NF2-related schwannomatosis. Last evaluated: 2025-11-27. Review status: criteria provided, single submitter. Criteria: DASA Assertion Criteria. Collection method: clinical testing. Allele origin: germline.
Comment: NM_000268.4(NF2):c.1460T>C (p.Ile487Thr) is a missense variant that results in the substitution of isoleucine with threonine. This variant is rare in population databases. The currently available literature and clinical evidence are not sufficient to establish a definitive association between this variant and the reported condition. Therefore, this variant is classified as a variant of uncertain significance.

Labcorp Genetics (formerly Invitae), Labcorp
Classification: Uncertain significance for Neurofibromatosis, type 2. Last evaluated: 2025-05-07. Review status: criteria provided, single submitter. Criteria: Invitae Variant Classification Sherloc (09022015). Collection method: clinical testing. Allele origin: germline.
Comment: This sequence change replaces isoleucine, which is neutral and non-polar, with threonine, which is neutral and polar, at codon 487 of the NF2 protein (p.Ile487Thr). This variant is not present in population databases (gnomAD no frequency). This variant has not been reported in the literature in individuals affected with NF2-related conditions. ClinVar contains an entry for this variant (Variation ID: 652338). Invitae Evidence Modeling of protein sequence and biophysical properties (such as structural, functional, and spatial information, amino acid conservation, physicochemical variation, residue mobility, and thermodynamic stability) indicates that this missense variant is not expected to disrupt NF2 protein function with a negative predictive value of 80%. In summary, the available evidence is currently insufficient to determine the role of this variant in disease. Therefore, it has been classified as a Variant of Uncertain Significance.

Ambry Genetics
Classification: Uncertain significance for Hereditary cancer-predisposing syndrome. Last evaluated: 2024-07-02. Review status: criteria provided, single submitter. Criteria: Ambry Variant Classification Scheme 2023. Collection method: clinical testing. Allele origin: germline.
Comment: The p.I487T variant (also known as c.1460T>C), located in coding exon 14 of the NF2 gene, results from a T to C substitution at nucleotide position 1460. The isoleucine at codon 487 is replaced by threonine, an amino acid with similar properties. This amino acid position is conserved. In addition, this alteration is predicted to be tolerated by in silico analysis. Based on the available evidence, the clinical significance of this variant remains unclear.